The following is an entry in ClinVar:

ClinVar aggregate classification (germline): Uncertain significance (1 of 4 stars; one submission).

Conditions:
ALG12-congenital disorder of glycosylation (CDG1G). Also called: Congenital disorder of glycosylation, type Ig; ALG12-CDG; CDG Ig. Identifiers: Orphanet 79324, MedGen C2931001, MONDO:0011783, OMIM 607143.

Submission:

Labcorp Genetics (formerly Invitae), Labcorp
Classification: Uncertain significance for ALG12-congenital disorder of glycosylation. Last evaluated: 2022-08-16. Review status: criteria provided, single submitter. Criteria: Invitae Variant Classification Sherloc (09022015). Collection method: clinical testing. Allele origin: germline.
Comment: This sequence change replaces glutamine, which is neutral and polar, with histidine, which is basic and polar, at codon 421 of the ALG12 protein (p.Gln421His). This variant is not present in population databases (gnomAD no frequency). In summary, the available evidence is currently insufficient to determine the role of this variant in disease. Therefore, it has been classified as a Variant of Uncertain Significance. Algorithms developed to predict the effect of missense changes on protein structure and function (SIFT, PolyPhen-2, Align-GVGD) all suggest that this variant is likely to be tolerated. This variant has not been reported in the literature in individuals affected with ALG12-related conditions.

NM_024105.4(ALG12):c.1263G>C (p.Gln421His)

Gene: ALG12 (ALG12 alpha-1,6-mannosyltransferase; minus strand). Cytogenetic location: 22q13.33.
Variant type: single nucleotide variant.
Coding change: c.1263G>C on transcript NM_024105.4 (MANE Select); coding-DNA position 1263, G replaced by C.
Protein change: p.Gln421His; replaces glutamine 421 with histidine.
Molecular consequence: missense variant.
Genome position (GRCh38, 1-based): chr22:49,904,042, C>G on the plus strand (G>C on the coding strand, the complement: ALG12 is on the minus strand). VCF-style: chr22-49904042-C-G. GRCh37 (hg19) VCF-style: chr22-50297690-C-G.
Other names: short protein forms Q421H.
Identifiers: ClinVar variation 2044177 (VCV002044177.4), dbSNP rs2519257275, ClinGen allele CA412071790.